The following is an entry in ClinVar:

NM_001040142.2(SCN2A):c.3038G>T (p.Gly1013Val)

Gene: SCN2A (sodium voltage-gated channel alpha subunit 2; plus strand). Cytogenetic location: 2q24.3.
Variant type: single nucleotide variant.
Coding change: c.3038G>T on transcript NM_001040142.2 (MANE Select); coding-DNA position 3038, G replaced by T.
Protein change: p.Gly1013Val; replaces glycine 1013 with valine.
Molecular consequence: missense variant.
Genome position (GRCh38, 1-based): chr2:165,354,310, G>T. VCF-style: chr2-165354310-G-T. GRCh37 (hg19) VCF-style: chr2-166210820-G-T.
Other names: c.3038G>T, p.Gly1013Val (NM_001040143.2, NM_001371246.1, NM_001371247.1 and 1 more transcripts); short protein forms G1013V.
Identifiers: ClinVar variation 1710592 (VCV001710592.3), dbSNP rs1254796632, ClinGen allele CA349019825.

ClinVar aggregate classification (germline): Uncertain significance. Review status: criteria provided, single submitter (1 of 4 stars). 2 submissions from 2 submitters: Uncertain significance (1). 1 of the submissions does not count toward it. Last evaluated 2022-04-14.

Conditions:
SCN2A-related disorder. Also called: SCN2A-related condition; SCN2A-related disorders. Identifiers: MedGen CN382226, MONDO:1060245.

Submissions (2):

GeneDx
Classification: Uncertain significance. Last evaluated: 2022-04-14. Review status: criteria provided, single submitter. Criteria: GeneDx Variant Classification Process June 2021. Collection method: clinical testing. Allele origin: germline. Affected: yes.
Comment: Not observed at significant frequency in large population cohorts (gnomAD); Missense variants in this gene are often considered pathogenic (HGMD); In silico analysis supports that this missense variant has a deleterious effect on protein structure/function; This substitution is predicted to be in the cytoplasmic loop between the second and third homologous domains; Has not been previously published as pathogenic or benign to our knowledge

PreventionGenetics, part of Exact Sciences
Classification: Uncertain significance for SCN2A-related condition. Last evaluated: 2024-07-06. Review status: no assertion criteria provided. Collection method: clinical testing. Allele origin: germline. Not counted in ClinVar's aggregate classification.
Comment: The SCN2A c.3038G>T variant is predicted to result in the amino acid substitution p.Gly1013Val. To our knowledge, this variant has not been reported in the literature or in a large population database, indicating this variant is rare. At this time, the clinical significance of this variant is uncertain due to the absence of conclusive functional and genetic evidence.